The following is an entry in ClinVar:

ClinVar aggregate classification (germline): Pathogenic (1 of 4 stars; one submission).

Conditions:
Chromosome 2q32-q33 deletion syndrome (GLASS). Also called: 2q33.1 deletion syndrome; Glass syndrome. Identifiers: Orphanet 251019, MedGen C2676739, MONDO:0012864, OMIM 612313.

Submission:

Victorian Clinical Genetics Services, Murdoch Childrens Research Institute
Classification: Pathogenic for Chromosome 2q32-q33 deletion syndrome. Last evaluated: 2024-10-08. Review status: criteria provided, single submitter. Criteria: ACMG Guidelines, 2015. Collection method: clinical testing. Allele origin: germline. Inheritance: Autosomal dominant inheritance. Affected: yes.
Comment: Based on the classification scheme VCGS_Germline_v1.3.4, this variant is classified as Pathogenic. Following criteria are met: 0102 - Loss of function is a known mechanism of disease in this gene and is associated with Glass syndrome (MIM#612313). (I) 0107 - This gene is associated with autosomal dominant disease. (I) 0115 - Variants in this gene are known to have variable expressivity (OMIM). (I) 0201 - Variant is predicted to cause nonsense-mediated decay (NMD) and loss of protein (premature termination codon is located at least 54 nucleotides upstream of the final exon-exon junction). (SP) 0251 - This variant is heterozygous. (I) 0301 - Variant is absent from gnomAD (both v2 and v3). (SP) 0701 - Other NMD-predicted variants comparable to the one identified in this case have very strong previous evidence for pathogenicity. There are many NMD-predicted variants reported as pathogenic (ClinVar). (SP) 0803 - This variant has limited previous evidence of pathogenicity in an unrelated individual. This variant was observed as de novo in one individual in the literature (PMID: 31021519). (SP) 0905 - No published segregation evidence has been identified for this variant. (I) 1007 - No published functional evidence has been identified for this variant. (I) 1207 - Parental origin of the variant is unresolved. (I) Legend: (SP) - Supporting pathogenic, (I) - Information, (SB) - Supporting benign

Literature cited by the submitters: PubMed 31021519.

NM_001172509.2(SATB2):c.988C>T (p.Gln330Ter)

Gene: SATB2 (SATB homeobox 2; minus strand). Cytogenetic location: 2q33.1.
Variant type: single nucleotide variant.
Coding change: c.988C>T on transcript NM_001172509.2 (MANE Select); coding-DNA position 988, C replaced by T.
Protein change: p.Gln330Ter; replaces glutamine 330 with a stop codon.
Molecular consequence: nonsense.
Genome position (GRCh38, 1-based): chr2:199,348,886, G>A on the plus strand (C>T on the coding strand, the complement: SATB2 is on the minus strand). VCF-style: chr2-199348886-G-A. GRCh37 (hg19) VCF-style: chr2-200213609-G-A.
Other names: c.988C>T, p.Gln330Ter (NM_001172517.1, NM_015265.4); short protein forms Q330*.
Identifiers: ClinVar variation 3377024 (VCV003377024.1).